The following is an entry in ClinVar:

NM_001148.6(ANK2):c.6641C>T (p.Pro2214Leu)

Gene: ANK2 (ankyrin 2; plus strand). Cytogenetic location: 4q26.
Variant type: single nucleotide variant.
Coding change: c.6641C>T on transcript NM_001148.6 (MANE Select); coding-DNA position 6641, C replaced by T.
Protein change: p.Pro2214Leu; replaces proline 2214 with leucine.
Molecular consequence: missense variant. On other transcripts: intron variant (68).
Genome position (GRCh38, 1-based): chr4:113,355,259, C>T. VCF-style: chr4-113355259-C-T. GRCh37 (hg19) VCF-style: chr4-114276415-C-T.
Other names: c.6407C>T, p.Pro2136Leu (NM_001386142.1); c.3041C>T, p.Pro1014Leu (NM_001386166.1); c.6782C>T, p.Pro2261Leu (NM_001386174.1); c.6758C>T, p.Pro2253Leu (NM_001386175.1); c.4411+5010C>T (NM_001386186.2, NM_001386148.2); c.4213+5010C>T (NM_001354269.3); c.4291+5010C>T (NM_001386187.2); c.4252+5010C>T (NM_001386147.1); and 35 more; short protein forms P2214L, P1014L, P2136L, P2253L, P2261L.
Identifiers: ClinVar variation 496111 (VCV000496111.8), dbSNP rs143469039, ClinGen allele CA3051448.

ClinVar aggregate classification (germline): Likely benign. Review status: criteria provided, multiple submitters, no conflicts (2 of 4 stars). 3 submissions from 3 submitters: Likely benign (3). Last evaluated 2024-02-19.

Conditions:
Cardiovascular phenotype. Identifiers: MedGen CN230736.
Long QT syndrome (LQTS). Identifiers: MedGen C0023976, MeSH D008133, MONDO:0002442. Disease mechanism: loss of function. Inheritance: Various modes of inheritance.

Allele frequency attached by ClinVar (database versions not stated): gnomAD exomes 0.00002 and 0.00012; TOPMed 0.00006; ESP Exome Variant Server 0.00008; gnomAD 0.00009 and 0.00010; ExAC 0.00013; 1000 Genomes Project 0.00020; 1000 Genomes Project 30x 0.00031.
gnomAD v4.1: 48 of 1,613,976 alleles (0.003%); highest among the groups gnomAD compares: East Asian, 0.056%; 1 homozygote.

Submissions (3):

Labcorp Genetics (formerly Invitae), Labcorp
Classification: Likely benign for Long QT syndrome. Last evaluated: 2024-02-19. Review status: criteria provided, single submitter. Criteria: Invitae Variant Classification Sherloc (09022015). Collection method: clinical testing. Allele origin: germline.

Ambry Genetics
Classification: Likely benign for Cardiovascular phenotype. Last evaluated: 2023-06-07. Review status: criteria provided, single submitter. Criteria: Ambry Variant Classification Scheme 2023. Collection method: clinical testing. Allele origin: germline.

Women's Health and Genetics/Laboratory Corporation of America, LabCorp
Classification: Likely benign. Last evaluated: 2017-03-06. Review status: criteria provided, single submitter. Criteria: LabCorp Variant Classification Summary - May 2015. Collection method: clinical testing. Allele origin: germline.
Comment: Variant summary: The ANK2 c.6641C>T (p.Pro2214Leu) variant involves the alteration of a conserved nucleotide and is predicted to be damaging by 2/3 in silico tools (SNPs&GO not captured due to low reliability index). This variant was found in 16/120510 control chromosomes, predominantly observed in the East Asian subpopulation at a frequency of 0.001281 (11/8590). This frequency is about 128 times the estimated maximal expected allele frequency of a pathogenic ANK2 variant (0.00001), suggesting this is likely a benign polymorphism found primarily in the populations of East Asian origin. The variant of interest has not, to our knowledge, been reported in affected individuals with disease linked to this gene via publications and/or reputable databases/clinical diagnostic laboratories; nor evaluated for functional impact by in vivo/vitro studies. Taken together, this variant is classified as likely benign.